The following is an entry in ClinVar:

ClinVar aggregate classification (germline): Likely benign. Review status: criteria provided, multiple submitters, no conflicts (2 of 4 stars). 3 submissions from 3 submitters: Likely benign (3). Last evaluated 2026-01-19.

Conditions:
Hereditary cancer-predisposing syndrome. Also called: Tumor predisposition; Hereditary Cancer Syndrome; Hereditary neoplastic syndrome; Neoplastic Syndromes, Hereditary. Identifiers: Orphanet 140162, MedGen C0027672, MeSH D009386, MONDO:0015356.
Peutz-Jeghers syndrome (PJS). Also called: POLYPOSIS, HAMARTOMATOUS INTESTINAL; POLYPS-AND-SPOTS SYNDROME; Peutz-Jeghers polyposis; Periorificial lentiginosis syndrome. Identifiers: Orphanet 2869, MedGen C0031269, MeSH D010580, MONDO:0008280, OMIM 175200.

Allele frequency attached by ClinVar (database versions not stated): gnomAD exomes below 0.00001 and 0.00001; TOPMed below 0.00001.
gnomAD v4.1: 17 of 1,600,952 alleles (0.0011%); highest among the groups gnomAD compares: Non-Finnish European, 0.0014%; no homozygotes.

Submissions (3):

Labcorp Genetics (formerly Invitae), Labcorp
Classification: Likely benign for Peutz-Jeghers syndrome. Last evaluated: 2026-01-19. Review status: criteria provided, single submitter. Criteria: Invitae Variant Classification Sherloc (09022015). Collection method: clinical testing. Allele origin: germline.

GeneDx
Classification: Likely benign. Last evaluated: 2017-11-01. Review status: criteria provided, single submitter. Criteria: GeneDx Variant Classification (06012015). Collection method: clinical testing. Allele origin: germline. Affected: yes.
Comment: This variant is considered likely benign or benign based on one or more of the following criteria: it is a conservative change, it occurs at a poorly conserved position in the protein, it is predicted to be benign by multiple in silico algorithms, and/or has population frequency not consistent with disease.

Color Diagnostics, LLC DBA Color Health
Classification: Likely benign for Hereditary cancer-predisposing syndrome. Last evaluated: 2017-03-30. Review status: criteria provided, single submitter. Criteria: ACMG Guidelines, 2015. Collection method: clinical testing. Allele origin: germline.

NM_000455.5(STK11):c.734+12G>A

Gene: STK11 (serine/threonine kinase 11; plus strand). Cytogenetic location: 19p13.3.
Variant type: single nucleotide variant.
Coding change: c.734+12G>A on transcript NM_000455.5 (MANE Select); 12 bases into the intron after coding-DNA position 734, G replaced by A.
Molecular consequence: intron variant.
Genome position (GRCh38, 1-based): chr19:1,220,729, G>A. VCF-style: chr19-1220729-G-A. GRCh37 (hg19) VCF-style: chr19-1220728-G-A.
Identifiers: ClinVar variation 234574 (VCV000234574.11), dbSNP rs876661094, ClinGen allele CA10577595.